The following is an entry in ClinVar:

NM_001329943.3(KIAA0586):c.2890C>T (p.Pro964Ser)

Gene: KIAA0586 (KIAA0586; plus strand). Cytogenetic location: 14q23.1.
Variant type: single nucleotide variant.
Coding change: c.2890C>T on transcript NM_001329943.3 (MANE Select); coding-DNA position 2890, C replaced by T.
Protein change: p.Pro964Ser; replaces proline 964 with serine.
Molecular consequence: missense variant.
Genome position (GRCh38, 1-based): chr14:58,477,187, C>T. VCF-style: chr14-58477187-C-T. GRCh37 (hg19) VCF-style: chr14-58943905-C-T.
Other names: c.3049C>T, p.Pro1017Ser (NM_001244189.2); c.2845C>T, p.Pro949Ser (NM_001244190.2); c.2635C>T, p.Pro879Ser (NM_001244191.2, NM_001329945.2, NM_001364700.1 and 1 more transcripts); c.2758C>T, p.Pro920Ser (NM_001244192.2); c.2470C>T, p.Pro824Ser (NM_001244193.2); c.2890C>T, p.Pro964Ser (NM_001329944.2, NM_001329946.2, NM_001329947.2); c.2662C>T, p.Pro888Ser (NM_014749.5); short protein forms P1017S, P888S, P920S, P879S, P964S, P824S, P949S.
Identifiers: ClinVar variation 1944348 (VCV001944348.5), dbSNP rs560446120, ClinGen allele CA7205995.

ClinVar aggregate classification (germline): Uncertain significance (1 of 4 stars; one submission).

Conditions:
Joubert syndrome 23 (JBTS23). Identifiers: Orphanet 475, MedGen C4084822, MONDO:0014664, OMIM 616490.
Short-rib thoracic dysplasia 14 with polydactyly (SRTD14). Identifiers: Orphanet 397715, MedGen C4225286, MONDO:0014688, OMIM 616546.

Allele frequency attached by ClinVar (database versions not stated): gnomAD exomes below 0.00001; gnomAD 0.00001; 1000 Genomes Project 0.00020; 1000 Genomes Project 30x 0.00031.
gnomAD v4.1: 3 of 1,584,606 alleles (0.00019%); highest among the groups gnomAD compares: East Asian, 0.0023%; no homozygotes.

Submission:

Labcorp Genetics (formerly Invitae), Labcorp
Classification: Uncertain significance for Joubert syndrome 23; Short-rib thoracic dysplasia 14 with polydactyly. Last evaluated: 2023-03-17. Review status: criteria provided, single submitter. Criteria: Invitae Variant Classification Sherloc (09022015). Collection method: clinical testing. Allele origin: germline.
Comment: Advanced modeling of protein sequence and biophysical properties (such as structural, functional, and spatial information, amino acid conservation, physicochemical variation, residue mobility, and thermodynamic stability) performed at Invitae indicates that this missense variant is not expected to disrupt KIAA0586 protein function. This sequence change replaces proline, which is neutral and non-polar, with serine, which is neutral and polar, at codon 1017 of the KIAA0586 protein (p.Pro1017Ser). The frequency data for this variant in the population databases is considered unreliable, as metrics indicate poor data quality at this position in the gnomAD database. This variant has not been reported in the literature in individuals affected with KIAA0586-related conditions. ClinVar contains an entry for this variant (Variation ID: 1944348). In summary, the available evidence is currently insufficient to determine the role of this variant in disease. Therefore, it has been classified as a Variant of Uncertain Significance.